The following is an entry in ClinVar:

NM_001370100.5(ZMYND11):c.1525_1526del (p.Lys509fs)

Genes: ZMYND11 (zinc finger MYND-type containing 11; plus strand), LOC126860802 (BRD4-independent group 4 enhancer GRCh37_chr10:294268-295467; plus strand). Cytogenetic location: 10p15.3.
Variant type: Deletion.
Coding change: c.1525_1526del on transcript NM_001370100.5 (MANE Select); coding-DNA positions 1525 to 1526, 2 bases deleted (AA; older notation c.1525_1526delAA).
Protein change: p.Lys509fs; shifts the reading frame from lysine 509.
Molecular consequence: frameshift variant. On other transcripts: non-coding transcript variant (1).
Genome position (GRCh38, 1-based): chr10:248,927-248,928, AA deleted; deleting any 2 consecutive bases within chr10:248,925-248,928 gives the same sequence; the c. name uses the placement nearest the transcript's 3' end. VCF-style (leftmost placement, unchanged base first): chr10-248924-GAA-G. GRCh37 (hg19) VCF-style: chr10-294864-GAA-G.
Other names: c.1525_1526del, p.Lys509fs (NM_001370099.2, NM_001370101.2, NM_001370102.2 and 4 more transcripts); c.1363_1364del, p.Lys455fs (NM_001370103.2, NM_001370104.2, NM_001370105.2 and 6 more transcripts); c.1474_1475del, p.Lys492fs (NM_001330057.3, NM_001370112.2); c.1270_1271del, p.Lys424fs (NM_001202465.3, NM_001370110.2); c.1360_1361del, p.Lys454fs (NM_001202466.3, NM_001370111.2); c.1432_1433del, p.Lys478fs (NM_001370113.2, NM_001370114.2); c.1522_1523del, p.Lys508fs (NM_001370115.2, NM_212479.4); c.1459_1460del, p.Lys487fs (NM_001370116.2); and 8 more; short protein forms K352fs, K390fs, K407fs, K415fs, K424fs, K433fs, K454fs, K455fs.
Identifiers: ClinVar variation 1071991 (VCV001071991.7), dbSNP rs2131977010, ClinGen allele CA2499220215.
Genomic context (GRCh38, chr10:248,924, plus strand): 5'-TTGTGTGCTGACGCACTGTGGGTTGTCTTTTCATTCCAGCTGCGTTCTGAAATGGAAGAA[GAA>G]AAGAGACAAGCTGTAAATAAAGCTGTAGCCAACATGCAGGGTGAGATGGACAGAAAATGT-3'

ClinVar aggregate classification (germline): Pathogenic (1 of 4 stars; one submission).

Submission:

Labcorp Genetics (formerly Invitae), Labcorp
Classification: Pathogenic. Last evaluated: 2018-04-10. Review status: criteria provided, single submitter. Criteria: Invitae Variant Classification Sherloc (09022015). Collection method: clinical testing. Allele origin: germline.
Comment: For these reasons, this variant has been classified as Pathogenic. Loss-of-function variants in ZMYND11 are known to be pathogenic (PMID: 25217958). This variant has not been reported in the literature in individuals with ZMYND11-related disease. This variant is not present in population databases (ExAC no frequency). This sequence change creates a premature translational stop signal (p.Lys509Glufs*6) in the ZMYND11 gene. It is expected to result in an absent or disrupted protein product.

Literature cited by the submitters: PubMed 25217958.